The following is an entry in ClinVar:

ClinVar aggregate classification (germline): Likely benign (1 of 4 stars; one submission).

gnomAD v4.1: 8 of 1,533,224 alleles (0.00052%); highest among the groups gnomAD compares: Middle Eastern, 0.018%; no homozygotes.

Submission:

CeGaT Center for Human Genetics Tuebingen
Classification: Likely benign. Last evaluated: 2023-01-01. Review status: criteria provided, single submitter. Criteria: CeGaT Center For Human Genetics Tuebingen Variant Classification Criteria Version 2. Collection method: clinical testing. Allele origin: germline. Affected: yes. Observed: 1 variant allele.
Comment: SLC67A1: BP4, BP7

NM_002555.6(SLC67A1):c.453G>C (p.Ala151=)

Gene: SLC67A1 (solute carrier family 67 member 1; plus strand). Cytogenetic location: 11p15.4.
Variant type: single nucleotide variant.
Coding change: c.453G>C on transcript NM_002555.6 (MANE Select); coding-DNA position 453, G replaced by C.
Protein change: p.Ala151=; no amino-acid change (alanine 151 retained).
Molecular consequence: synonymous variant. On other transcripts: intron variant (1).
Genome position (GRCh38, 1-based): chr11:2,909,627, G>C. VCF-style: chr11-2909627-G-C. GRCh37 (hg19) VCF-style: chr11-2930857-G-C.
Other names: c.708G>C, p.Ala236= (NM_001315501.2); c.453G>C, p.Ala151= (NM_183233.3); c.242+1297G>C (NM_001315502.2).
Identifiers: ClinVar variation 2641509 (VCV002641509.24), dbSNP rs1177756256, ClinGen allele CA472467458.